The following is an entry in ClinVar:

NM_001352514.2(HLCS):c.975dup (p.Phe326fs)

Gene: HLCS (holocarboxylase synthetase; minus strand). Cytogenetic location: 21q22.13.
Variant type: Duplication.
Coding change: c.975dup on transcript NM_001352514.2 (MANE Select); coding-DNA position 975, one base duplicated (G; older notation c.975dupG).
Protein change: p.Phe326fs; shifts the reading frame from phenylalanine 326.
Molecular consequence: frameshift variant. On other transcripts: non-coding transcript variant (2).
Genome position (GRCh38, 1-based): chr21:36,936,911, C duplicated on the plus strand (G on the coding strand, the reverse complement: HLCS is on the minus strand); the first of 2 consecutive C bases (chr21:36,936,911-36,936,912); duplicating either gives the same sequence. VCF-style (leftmost placement, unchanged base first): chr21-36936910-A-AC. GRCh37 (hg19) VCF-style: chr21-38309210-A-AC.
Other names: c.534dup, p.Phe179fs (NM_000411.8, NM_001242784.3, NM_001242785.2 and 4 more transcripts); short protein forms F179fs, F326fs.
Identifiers: ClinVar variation 5011801 (VCV005011801.1).

ClinVar aggregate classification (germline): Pathogenic (1 of 4 stars; one submission).

Conditions:
Holocarboxylase synthetase deficiency. Also called: MULTIPLE CARBOXYLASE DEFICIENCY, EARLY ONSET. Identifiers: Orphanet 79242, MedGen C0268581, MONDO:0009666, OMIM 253270.

Submission:

Myriad Genetics, Inc.
Classification: Pathogenic for Holocarboxylase synthetase deficiency. Last evaluated: 2023-09-27. Review status: criteria provided, single submitter. Criteria: Myriad Autosomal Dominant, Autosomal Recessive and X-Linked Classification Criteria (2023). Collection method: clinical testing. Allele origin: unknown.
Comment: NM_000411.6(HLCS):c.534dupG(F179Vfs*15) is expected to be pathogenic in the context of holocarboxylase synthetase deficiency. This variant is predicted to lead to an abnormal or absent protein product due to the creation of a premature termination codon in HLCS, a gene where loss-of-function variants are known to be pathogenic. Please note: this variant was assessed in the context of healthy population screening.